The following is an entry in ClinVar:

ClinVar aggregate classification (germline): Pathogenic (1 of 4 stars; one submission).

Conditions:
Congenital sideroblastic anemia-B-cell immunodeficiency-periodic fever-developmental delay syndrome. Also called: Sideroblastic anemia with B-cell immunodeficiency, periodic fevers, and developmental delay. Identifiers: Orphanet 369861, MedGen C4015172, MONDO:0014487, OMIM 616084.

Submission:

Labcorp Genetics (formerly Invitae), Labcorp
Classification: Pathogenic for Congenital sideroblastic anemia-B-cell immunodeficiency-periodic fever-developmental delay syndrome. Last evaluated: 2025-01-22. Review status: criteria provided, single submitter. Criteria: Invitae Variant Classification Sherloc (09022015). Collection method: clinical testing. Allele origin: germline.
Comment: This sequence change creates a premature translational stop signal (p.Leu48Aspfs*69) in the TRNT1 gene. It is expected to result in an absent or disrupted protein product. Loss-of-function variants in TRNT1 are known to be pathogenic (PMID: 25193871). This variant is not present in population databases (gnomAD no frequency). This variant has not been reported in the literature in individuals affected with TRNT1-related conditions. For these reasons, this variant has been classified as Pathogenic.

Literature cited by the submitters: PubMed 25193871.

NM_182916.3(TRNT1):c.142_143del (p.Leu48fs)

Gene: TRNT1 (tRNA nucleotidyl transferase 1; plus strand). Cytogenetic location: 3p26.2.
Variant type: Deletion.
Coding change: c.142_143del on transcript NM_182916.3 (MANE Select); coding-DNA positions 142 to 143, 2 bases deleted (CT; older notation c.142_143delCT).
Protein change: p.Leu48fs; shifts the reading frame from leucine 48.
Molecular consequence: frameshift variant. On other transcripts: non-coding transcript variant (11).
Genome position (GRCh38, 1-based): chr3:3,129,182-3,129,183, CT deleted; deleting any 2 consecutive bases within chr3:3,129,181-3,129,183 gives the same sequence; the c. name uses the placement nearest the transcript's 3' end. VCF-style (leftmost placement, unchanged base first): chr3-3129180-GTC-G. GRCh37 (hg19) VCF-style: chr3-3170864-GTC-G.
Other names: c.142_143del, p.Leu48fs (NM_001302946.2, NM_001367321.1, NM_001367322.1 and 1 more transcripts); short protein forms L48fs.
Identifiers: ClinVar variation 3691533 (VCV003691533.2).